The following is an entry in ClinVar:

NM_005267.5(GJA8):c.67A>G (p.Arg23Gly)

Gene: GJA8 (gap junction protein alpha 8; plus strand). Cytogenetic location: 1q21.2.
Variant type: single nucleotide variant.
Coding change: c.67A>G on transcript NM_005267.5 (MANE Select); coding-DNA position 67, A replaced by G.
Protein change: p.Arg23Gly; replaces arginine 23 with glycine.
Molecular consequence: missense variant.
Genome position (GRCh38, 1-based): chr1:147,908,022, A>G. VCF-style: chr1-147908022-A-G. GRCh37 (hg19) VCF-style: chr1-147380149-A-G.
Other names: short protein forms R23G.
Identifiers: ClinVar variation 568964 (VCV000568964.8), dbSNP rs1558009094, ClinGen allele CA342222982.

ClinVar aggregate classification (germline): Uncertain significance (1 of 4 stars; one submission).

Conditions:
Cataract 1 multiple types. Also called: CATARACT, DUFFY-LINKED; CATARACT 1, MULTIPLE TYPES, WITH OR WITHOUT MICROCORNEA; CATARACT 1, NUCLEAR PROGRESSIVE; CATARACT 1 WITH MICROCORNEA; CATARACT 1, POSTERIOR SUBCAPSULAR, WITH MICROCORNEA; CATARACT 1, STELLATE NUCLEAR, WITH MICROCORNEA. Identifiers: Orphanet 1377, MedGen C1861828, MONDO:0007285, OMIM 116200.

Submission:

Labcorp Genetics (formerly Invitae), Labcorp
Classification: Uncertain significance for Cataract 1 multiple types. Last evaluated: 2018-02-15. Review status: criteria provided, single submitter. Criteria: Invitae Variant Classification Sherloc (09022015). Collection method: clinical testing. Allele origin: germline.
Comment: In summary, the available evidence is currently insufficient to determine the role of this variant in disease. Therefore, it has been classified as a Variant of Uncertain Significance. Algorithms developed to predict the effect of missense changes on protein structure and function (SIFT, PolyPhen-2, Align-GVGD) all suggest that this variant is likely to be disruptive, but these predictions have not been confirmed by published functional studies and their clinical significance is uncertain. This variant has not been reported in the literature in individuals with GJA8-related disease. This variant is not present in population databases (ExAC no frequency). This sequence change replaces arginine with glycine at codon 23 of the GJA8 protein (p.Arg23Gly). The arginine residue is highly conserved and there is a moderate physicochemical difference between arginine and glycine.